The following is an entry in ClinVar:

GRCh38/hg38 9p24.3-23(chr9:204193-10340779)x1

Genes: AK3 (adenylate kinase 3; minus strand), BRD10 (bromodomain containing 10; minus strand), CD274 (CD274 molecule; plus strand), CDC37L1 (cell division cycle 37 like 1, HSP90 cochaperone; plus strand), CDC37L1-DT (CDC37L1 divergent transcript; minus strand) and 229 more. Cytogenetic location: 9p24.3-23.
Variant type: copy number loss.
Change: copy number 1 (one copy instead of two) of chr9:204,193-10,340,779 (10.14 Mb, GRCh38 coordinates, 1-based), cytogenetic band 9p24.3-23.
Identifiers: ClinVar variation 60431 (VCV000060431.1).

ClinVar aggregate classification (germline): Pathogenic (1 of 4 stars; one submission).

Submission:

ISCA site 4
Classification: Pathogenic. Last evaluated: 2011-08-12. Review status: criteria provided, single submitter. Criteria: Kaminsky et al. (Genet Med. 2011). Collection method: clinical testing. Allele origin: unknown. Affected: yes. Observed: 1 variant allele.
Comment: Copy number variation identified through the course of routine clinical cytogenomic testing in postnatal populations. Clinical assertions have been curated as described in Kaminsky et al. 2011.